The following is an entry in ClinVar:

NM_001127208.3(TET2):c.410G>C (p.Ser137Thr)

Genes: TET2 (tet methylcytosine dioxygenase 2; plus strand), TET2-AS1 (TET2 antisense RNA 1; minus strand). Cytogenetic location: 4q24.
Variant type: single nucleotide variant.
Coding change: c.410G>C on transcript NM_001127208.3 (MANE Select); coding-DNA position 410, G replaced by C.
Protein change: p.Ser137Thr; replaces serine 137 with threonine.
Molecular consequence: missense variant.
Genome position (GRCh38, 1-based): chr4:105,234,352, G>C. VCF-style: chr4-105234352-G-C. GRCh37 (hg19) VCF-style: chr4-106155509-G-C.
Other names: c.410G>C, p.Ser137Thr (NM_017628.4); short protein forms S137T.
Identifiers: ClinVar variation 2476927 (VCV002476927.3), dbSNP rs762762365, ClinGen allele CA3031488.

ClinVar aggregate classification (germline): Uncertain significance (1 of 4 stars; one submission).

Allele frequency attached by ClinVar (database versions not stated): TOPMed below 0.00001; ExAC 0.00002; gnomAD exomes 0.00002.
gnomAD v4.1: 35 of 1,614,070 alleles (0.0022%); highest among the groups gnomAD compares: Non-Finnish European, 0.0028%; no homozygotes.

Submission:

Ambry Genetics
Classification: Uncertain significance. Last evaluated: 2024-12-15. Review status: criteria provided, single submitter. Criteria: Ambry Variant Classification Scheme 2023. Collection method: clinical testing. Allele origin: germline.
Comment: The p.S137T variant (also known as c.410G>C), located in coding exon 1 of the TET2 gene, results from a G to C substitution at nucleotide position 410. The serine at codon 137 is replaced by threonine, an amino acid with similar properties. This amino acid position is conserved. In addition, this alteration is predicted to be tolerated by in silico analysis. Based on the available evidence, the clinical significance of this variant remains unclear.